The following is an entry in ClinVar:

NM_000112.4(SLC26A2):c.69del (p.Pro24fs)

Gene: SLC26A2 (solute carrier family 26 member 2; plus strand). Cytogenetic location: 5q32.
Variant type: Deletion.
Coding change: c.69del on transcript NM_000112.4 (MANE Select); coding-DNA position 69, one base deleted (T; older notation c.69delT).
Protein change: p.Pro24fs; shifts the reading frame from proline 24.
Molecular consequence: frameshift variant.
Genome position (GRCh38, 1-based): chr5:149,977,721, T deleted. VCF-style (leftmost placement, unchanged base first): chr5-149977720-AT-A. GRCh37 (hg19) VCF-style: chr5-149357283-AT-A.
Other names: short protein forms P24fs.
Identifiers: ClinVar variation 2173257 (VCV002173257.4), dbSNP rs2480770046, ClinGen allele CA2580073853.

ClinVar aggregate classification (germline): Pathogenic (1 of 4 stars; one submission).

Conditions:
Multiple epiphyseal dysplasia type 4 (EDM4). Also called: Multiple Epiphyseal Dysplasia, Recessive; MULTIPLE EPIPHYSEAL DYSPLASIA WITH BILAYERED PATELLAE; MULTIPLE EPIPHYSEAL DYSPLASIA WITH CLUBFOOT; MULTIPLE EPIPHYSEAL DYSPLASIA, AUTOSOMAL RECESSIVE; SLC26A2-Related Multiple Epiphyseal Dysplasia. Identifiers: Orphanet 93307, MedGen C1847593, MONDO:0009189, OMIM 226900.
Achondrogenesis, type IB (ACG1B). Also called: Achondrogenesis Type 1B. Identifiers: Orphanet 932, Orphanet 93298, MedGen C0265274, MONDO:0010966, OMIM 600972.
Atelosteogenesis type II (AO2). Also called: NEONATAL OSSEOUS DYSPLASIA I; Neonatal osseous dysplasia 1; SLC26A2-Related Atelosteogenesis. Identifiers: Orphanet 56304, MedGen C1850554, MONDO:0009727, OMIM 256050.
Diastrophic dysplasia (DTD). Also called: Diastrophic dwarfism. Identifiers: Orphanet 628, MedGen C0220726, MONDO:0009107, OMIM 222600.

Submission:

Labcorp Genetics (formerly Invitae), Labcorp
Classification: Pathogenic for Atelosteogenesis type II; Multiple epiphyseal dysplasia type 4; Achondrogenesis, type IB; Diastrophic dysplasia. Last evaluated: 2022-09-28. Review status: criteria provided, single submitter. Criteria: Invitae Variant Classification Sherloc (09022015). Collection method: clinical testing. Allele origin: germline.
Comment: For these reasons, this variant has been classified as Pathogenic. This variant has not been reported in the literature in individuals affected with SLC26A2-related conditions. This variant is not present in population databases (gnomAD no frequency). This sequence change creates a premature translational stop signal (p.Pro24Hisfs*65) in the SLC26A2 gene. It is expected to result in an absent or disrupted protein product. Loss-of-function variants in SLC26A2 are known to be pathogenic (PMID: 7923357, 10482955, 11241838).

Literature cited by the submitters: PubMed 7923357; PubMed 10482955; PubMed 11241838.